The following is an entry in ClinVar:

ClinVar aggregate classification (germline): Pathogenic (1 of 4 stars; one submission).

Submission:

Labcorp Genetics (formerly Invitae), Labcorp
Classification: Pathogenic. Last evaluated: 2023-04-10. Review status: criteria provided, single submitter. Criteria: Invitae Variant Classification Sherloc (09022015). Collection method: clinical testing. Allele origin: germline.
Comment: For these reasons, this variant has been classified as Pathogenic. This variant has not been reported in the literature in individuals affected with LMX1B-related conditions. This variant is not present in population databases (gnomAD no frequency). This sequence change creates a premature translational stop signal (p.Thr227Hisfs*28) in the LMX1B gene. It is expected to result in an absent or disrupted protein product. Loss-of-function variants in LMX1B are known to be pathogenic (PMID: 9590287, 15498463).

Literature cited by the submitters: PubMed 9590287; PubMed 15498463.

NM_001174147.2(LMX1B):c.679_680del (p.Thr227fs)

Gene: LMX1B (LIM homeobox transcription factor 1 beta; plus strand). Cytogenetic location: 9q33.3.
Variant type: Deletion.
Coding change: c.679_680del on transcript NM_001174147.2 (MANE Select); coding-DNA positions 679 to 680, 2 bases deleted (AC; older notation c.679_680delAC).
Protein change: p.Thr227fs; shifts the reading frame from threonine 227.
Molecular consequence: frameshift variant.
Genome position (GRCh38, 1-based): chr9:126,693,261-126,693,262, AC deleted; deleting any 2 consecutive bases within chr9:126,693,260-126,693,262 gives the same sequence; the c. name uses the placement nearest the transcript's 3' end. VCF-style (leftmost placement, unchanged base first): chr9-126693259-TCA-T. GRCh37 (hg19) VCF-style: chr9-129455538-TCA-T.
Other names: c.679_680del, p.Thr227fs (NM_001174146.2, NM_002316.4); short protein forms T227fs.
Identifiers: ClinVar variation 2854672 (VCV002854672.3), dbSNP rs2490688015, ClinGen allele CA2739265032.
Genomic context (GRCh38, chr9:126,693,259, plus strand): 5'-GCAAGGGCAGCGGGGATGACGGGAAGGACCCGCGGAGGCCCAAGCGACCCCGGACCATCC[TCA>T]CCACGCAGCAGCGAAGAGCCTTCAAGGCCTCCTTCGAGGTCTCGTCGAAGCCTTGCCGAA-3'